The following is an entry in ClinVar:

ClinVar aggregate classification (germline): Uncertain significance (1 of 4 stars; one submission).

Conditions:
Familial hypercholesterolemia. Also called: Familial hypercholesterolaemia. Identifiers: MedGen C0020445, MONDO:0005439.

gnomAD v4.1: 5 of 1,613,756 alleles (0.00031%); highest among the groups gnomAD compares: Middle Eastern, 0.016%; no homozygotes.

Submission:

Color Diagnostics, LLC DBA Color Health
Classification: Uncertain significance for Familial hypercholesterolemia. Last evaluated: 2025-06-09. Review status: criteria provided, single submitter. Criteria: ACMG Guidelines, 2015. Collection method: clinical testing. Allele origin: germline.
Comment: This missense variant replaces arginine with lysine at codon 412 of the PCSK9 protein. Computational prediction suggests that this variant may not impact protein structure and function. To our knowledge, functional studies have not been reported for this variant. This variant has not been reported in individuals affected with PCSK9-related disorders in the literature. This variant has been identified in 2/251226 chromosomes in the general population by the Genome Aggregation Database (gnomAD). The available evidence is insufficient to determine the role of this variant in disease conclusively. Therefore, this variant is classified as a Variant of Uncertain Significance.

NM_174936.4(PCSK9):c.1235G>A (p.Arg412Lys)

Gene: PCSK9 (proprotein convertase subtilisin/kexin type 9; plus strand). Cytogenetic location: 1p32.3.
Variant type: single nucleotide variant.
Coding change: c.1235G>A on transcript NM_174936.4 (MANE Select); coding-DNA position 1235, G replaced by A.
Protein change: p.Arg412Lys; replaces arginine 412 with lysine.
Molecular consequence: missense variant. On other transcripts: non-coding transcript variant (8), intron variant (2).
Genome position (GRCh38, 1-based): chr1:55,058,090, G>A. VCF-style: chr1-55058090-G-A. GRCh37 (hg19) VCF-style: chr1-55523763-G-A.
Other names: c.1358G>A, p.Arg453Lys (NM_001407240.1); c.1235G>A, p.Arg412Lys (NM_001407241.1); c.1238G>A, p.Arg413Lys (NM_001407242.1); c.1178G>A, p.Arg393Lys (NM_001407243.1); c.1043G>A, p.Arg348Lys (NM_001407245.1); c.860G>A, p.Arg287Lys (NM_001407246.1); c.1181-409G>A (NM_001407244.1); c.1180+576G>A (NM_001407247.1); short protein forms R287K, R348K, R393K, R412K, R413K, R453K.
Identifiers: ClinVar variation 4757742 (VCV004757742.1).